The following is an entry in ClinVar:

NM_001122955.4(BSCL2):c.908T>C (p.Val303Ala)

Genes: BSCL2 (BSCL2 lipid droplet biogenesis associated, seipin; minus strand), HNRNPUL2-BSCL2 (HNRNPUL2-BSCL2 readthrough (NMD candidate); minus strand). Cytogenetic location: 11q12.3.
Variant type: single nucleotide variant.
Coding change: c.908T>C on transcript NM_001122955.4 (MANE Select); coding-DNA position 908, T replaced by C.
Protein change: p.Val303Ala; replaces valine 303 with alanine.
Molecular consequence: missense variant. On other transcripts: non-coding transcript variant (1), intron variant (1).
Genome position (GRCh38, 1-based): chr11:62,691,377, A>G on the plus strand (T>C on the coding strand, the complement: BSCL2 is on the minus strand). VCF-style: chr11-62691377-A-G. GRCh37 (hg19) VCF-style: chr11-62458849-A-G.
Other names: c.908T>C, p.Val303Ala (NM_001386027.1, NM_001386028.1); c.716T>C, p.Val239Ala (NM_032667.6); c.672-236T>C (NM_001130702.2); short protein forms V239A, V303A.
Identifiers: ClinVar variation 1757478 (VCV001757478.8), dbSNP rs1945306544, ClinGen allele CA380960106.

ClinVar aggregate classification (germline): Uncertain significance. Review status: criteria provided, multiple submitters, no conflicts (2 of 4 stars). 2 submissions from 2 submitters: Uncertain significance (2). Last evaluated 2025-06-04.

Conditions:
Inborn genetic diseases. Identifiers: MedGen C0950123, MeSH D030342.
Charcot-Marie-Tooth disease type 2. Also called: Charcot-Marie-Tooth type 2. Identifiers: Orphanet 64746, MedGen C0270914, MONDO:0018993.

Submissions (2):

Ambry Genetics
Classification: Uncertain significance for Inborn genetic diseases. Last evaluated: 2025-06-04. Review status: criteria provided, single submitter. Criteria: Ambry Variant Classification Scheme 2023. Collection method: clinical testing. Allele origin: germline.

Labcorp Genetics (formerly Invitae), Labcorp
Classification: Uncertain significance for Charcot-Marie-Tooth disease type 2. Last evaluated: 2024-06-24. Review status: criteria provided, single submitter. Criteria: Invitae Variant Classification Sherloc (09022015). Collection method: clinical testing. Allele origin: germline.
Comment: This sequence change replaces valine, which is neutral and non-polar, with alanine, which is neutral and non-polar, at codon 239 of the BSCL2 protein (p.Val239Ala). This variant is not present in population databases (gnomAD no frequency). This variant has not been reported in the literature in individuals affected with BSCL2-related conditions. ClinVar contains an entry for this variant (Variation ID: 1757478). Advanced modeling of protein sequence and biophysical properties (such as structural, functional, and spatial information, amino acid conservation, physicochemical variation, residue mobility, and thermodynamic stability) performed at Invitae indicates that this missense variant is expected to disrupt BSCL2 protein function with a positive predictive value of 80%. In summary, the available evidence is currently insufficient to determine the role of this variant in disease. Therefore, it has been classified as a Variant of Uncertain Significance.